The following is an entry in ClinVar:

ClinVar aggregate classification (germline): Uncertain significance. Review status: criteria provided, multiple submitters, no conflicts (2 of 4 stars). 2 submissions from 2 submitters: Uncertain significance (2). Last evaluated 2025-04-10.

Conditions:
Diamond-Blackfan anemia. Also called: Blackfan Diamond syndrome; Aregenerative anemia chronic congenital; Red cell aplasia, pure hereditary; Congenital hypoplastic anemia; Aase syndrome. Identifiers: Orphanet 124, MedGen C1260899, MeSH D029503, MONDO:0015253, HP:0004810.
GATA binding protein 1 related thrombocytopenia with dyserythropoiesis. Also called: GATA1-Related Cytopenia; GATA1-Related X-Linked Cytopenia. Identifiers: MedGen C1845837, MONDO:0100089.

Submissions (2):

Labcorp Genetics (formerly Invitae), Labcorp
Classification: Uncertain significance for GATA binding protein 1 related thrombocytopenia with dyserythropoiesis; Diamond-Blackfan anemia. Last evaluated: 2025-04-10. Review status: criteria provided, single submitter. Criteria: Invitae Variant Classification Sherloc (09022015). Collection method: clinical testing. Allele origin: germline.
Comment: This sequence change replaces glycine, which is neutral and non-polar, with alanine, which is neutral and non-polar, at codon 388 of the GATA1 protein (p.Gly388Ala). This variant is not present in population databases (gnomAD no frequency). This variant has not been reported in the literature in individuals affected with GATA1-related conditions. Invitae Evidence Modeling of protein sequence and biophysical properties (such as structural, functional, and spatial information, amino acid conservation, physicochemical variation, residue mobility, and thermodynamic stability) indicates that this missense variant is not expected to disrupt GATA1 protein function with a negative predictive value of 95%. In summary, the available evidence is currently insufficient to determine the role of this variant in disease. Therefore, it has been classified as a Variant of Uncertain Significance.

Blueprint Genetics
Classification: Uncertain significance. Last evaluated: 2023-02-08. Review status: criteria provided, single submitter. Criteria: ACMG Guidelines, 2015. Collection method: clinical testing. Allele origin: germline.

NM_002049.4(GATA1):c.1163G>C (p.Gly388Ala)

Gene: GATA1 (GATA binding protein 1; plus strand). Cytogenetic location: Xp11.23.
Variant type: single nucleotide variant.
Coding change: c.1163G>C on transcript NM_002049.4 (MANE Select); coding-DNA position 1163, G replaced by C.
Protein change: p.Gly388Ala; replaces glycine 388 with alanine.
Molecular consequence: missense variant.
Genome position (GRCh38, 1-based): chrX:48,794,085, G>C. VCF-style: chrX-48794085-G-C. GRCh37 (hg19) VCF-style: chrX-48652492-G-C.
Other names: short protein forms G388A.
Identifiers: ClinVar variation 4783292 (VCV004783292.2).